The following is an entry in ClinVar:

ClinVar aggregate classification (germline): Benign/Likely benign. Review status: criteria provided, multiple submitters, no conflicts (2 of 4 stars). 6 submissions from 6 submitters: Benign (3); Likely benign (2). 1 of the submissions does not count toward it. Last evaluated 2026-08-01.

Conditions:
INPP5K-related disorder. Also called: INPP5K-related condition.

Allele frequency attached by ClinVar (database versions not stated): gnomAD exomes 0.00113; 1000 Genomes Project 0.00339; 1000 Genomes Project 30x 0.00359; TOPMed 0.00440; ESP Exome Variant Server 0.00477; gnomAD 0.00510.
gnomAD v4.1: 1,421 of 1,614,104 alleles (0.088%); highest among the groups gnomAD compares: African/African-American, 1.5%; 9 homozygotes.

Submissions (6):

CeGaT Center for Human Genetics Tuebingen
Classification: Likely benign. Last evaluated: 2026-08-01. Review status: criteria provided, single submitter. Criteria: CeGaT Center For Human Genetics Tuebingen Variant Classification Criteria Version 2. Collection method: clinical testing. Allele origin: germline. Affected: yes. Observed: 3 variant alleles.
Comment: INPP5K: BP4, BS1

Blueprint Genetics
Classification: Likely benign. Last evaluated: 2024-11-01. Review status: criteria provided, single submitter. Criteria: ACMG Guidelines, 2015. Collection method: clinical testing. Allele origin: germline.

Mayo Clinic Laboratories, Mayo Clinic
Classification: Benign. Last evaluated: 2024-04-03. Review status: criteria provided, single submitter. Criteria: ACMG Guidelines, 2015. Collection method: clinical testing. Allele origin: germline. Observed: 3 variant alleles.
Comment: BA1, BP4

Labcorp Genetics (formerly Invitae), Labcorp
Classification: Benign. Last evaluated: 2019-12-31. Review status: criteria provided, single submitter. Criteria: Invitae Variant Classification Sherloc (09022015). Collection method: clinical testing. Allele origin: germline.

Breakthrough Genomics
Classification: Benign. Review status: criteria provided, single submitter. Criteria: ACMG Guidelines, 2015. Collection method: not provided. Allele origin: germline. Inheritance: Autosomal recessive inheritance. Affected: yes.

PreventionGenetics, part of Exact Sciences
Classification: Benign for INPP5K-related condition. Last evaluated: 2019-03-19. Review status: no assertion criteria provided. Collection method: clinical testing. Allele origin: germline. Not counted in ClinVar's aggregate classification.
Comment: This variant is classified as benign based on ACMG/AMP sequence variant interpretation guidelines (Richards et al. 2015 PMID: 25741868, with internal and published modifications).

NM_016532.4(INPP5K):c.866C>T (p.Pro289Leu)

Gene: INPP5K (inositol polyphosphate-5-phosphatase K; minus strand). Cytogenetic location: 17p13.3.
Variant type: single nucleotide variant.
Coding change: c.866C>T on transcript NM_016532.4 (MANE Select); coding-DNA position 866, C replaced by T.
Protein change: p.Pro289Leu; replaces proline 289 with leucine.
Molecular consequence: missense variant.
Genome position (GRCh38, 1-based): chr17:1,498,033, G>A on the plus strand (C>T on the coding strand, the complement: INPP5K is on the minus strand). VCF-style: chr17-1498033-G-A. GRCh37 (hg19) VCF-style: chr17-1401327-G-A.
Other names: p.Pro289Leu; c.638C>T, p.Pro213Leu (NM_001135642.2, NM_130766.3); short protein forms P213L, P289L.
Identifiers: ClinVar variation 778652 (VCV000778652.36), dbSNP rs61735262, ClinGen allele CA8268444.